The following is an entry in ClinVar:

NM_003937.3(KYNU):c.1047T>C (p.Phe349=)

Gene: KYNU (kynureninase; plus strand). Cytogenetic location: 2q22.2.
Variant type: single nucleotide variant.
Coding change: c.1047T>C on transcript NM_003937.3 (MANE Select); coding-DNA position 1047, T replaced by C.
Protein change: p.Phe349=; no amino-acid change (phenylalanine 349 retained).
Molecular consequence: synonymous variant.
Genome position (GRCh38, 1-based): chr2:143,040,433, T>C. VCF-style: chr2-143040433-T-C. GRCh37 (hg19) VCF-style: chr2-143798002-T-C.
Other names: c.1047T>C, p.Phe349= (NM_001199241.2).
Identifiers: ClinVar variation 716760 (VCV000716760.5), dbSNP rs114204731, ClinGen allele CA1896991.

ClinVar aggregate classification (germline): Benign/Likely benign. Review status: criteria provided, multiple submitters, no conflicts (2 of 4 stars). 3 submissions from 3 submitters: Benign (1); Likely benign (1). 1 of the submissions does not count toward it. Last evaluated 2024-11-14.

Conditions:
KYNU-related disorder. Also called: KYNU-related condition; KYNU-related disorders.

Allele frequency attached by ClinVar (database versions not stated): gnomAD exomes 0.00012 and 0.00034; ExAC 0.00051; gnomAD 0.00136 and 0.00140; ESP Exome Variant Server 0.00154; TOPMed 0.00154; 1000 Genomes Project 0.00200; 1000 Genomes Project 30x 0.00234.
gnomAD v4.1: 386 of 1,610,752 alleles (0.024%); highest among the groups gnomAD compares: African/African-American, 0.48%; 3 homozygotes.

Submissions (3):

Blueprint Genetics
Classification: Likely benign. Last evaluated: 2024-11-14. Review status: criteria provided, single submitter. Criteria: ACMG Guidelines, 2015. Collection method: clinical testing. Allele origin: germline.

Labcorp Genetics (formerly Invitae), Labcorp
Classification: Benign. Last evaluated: 2018-08-06. Review status: criteria provided, single submitter. Criteria: Invitae Variant Classification Sherloc (09022015). Collection method: clinical testing. Allele origin: germline.

PreventionGenetics, part of Exact Sciences
Classification: Likely benign for KYNU-related condition. Last evaluated: 2024-07-15. Review status: no assertion criteria provided. Collection method: clinical testing. Allele origin: germline. Not counted in ClinVar's aggregate classification.
Comment: This variant is classified as likely benign based on ACMG/AMP sequence variant interpretation guidelines (Richards et al. 2015 PMID: 25741868, with internal and published modifications).